The following is an entry in ClinVar:

NM_003361.4(UMOD):c.1648G>A (p.Val550Ile)

Gene: UMOD (uromodulin; minus strand). Cytogenetic location: 16p12.3.
Variant type: single nucleotide variant.
Coding change: c.1648G>A on transcript NM_003361.4 (MANE Select); coding-DNA position 1648, G replaced by A.
Protein change: p.Val550Ile; replaces valine 550 with isoleucine.
Molecular consequence: missense variant. On other transcripts: non-coding transcript variant (1).
Genome position (GRCh38, 1-based): chr16:20,337,383, C>T on the plus strand (G>A on the coding strand, the complement: UMOD is on the minus strand). VCF-style: chr16-20337383-C-T. GRCh37 (hg19) VCF-style: chr16-20348705-C-T.
Other names: p.Val550Ile; c.1648G>A, p.Val550Ile (NM_001008389.3, NM_001378232.1, NM_001378233.1); c.1747G>A, p.Val583Ile (NM_001278614.2); c.1789G>A, p.Val597Ile (NM_001378234.1, NM_001378235.1); short protein forms V550I, V583I, V597I.
Identifiers: ClinVar variation 64443 (VCV000064443.15), dbSNP rs188709583, ClinGen allele CA216150.
Genomic context (GRCh38, chr16:20,337,383, plus strand): 5'-GATAGACTTCACAGTGCAGGTAGACTAGGTCATAGTTTCCAGCAAACCGGAACATCTGGA[C>T]GGAAAATCGGCCCTGGGAGGACTCCCCATTCTCCACCACTTGGATAGTTGAGTCTCTAGT-3'
Protein context (NP_003352.2, residues 540-560): NGESSQGRFS[Val550Ile]QMFRFAGNYD

ClinVar aggregate classification (germline): Conflicting classifications of pathogenicity. Review status: criteria provided, conflicting classifications (1 of 4 stars). 5 submissions from 5 submitters: Uncertain significance (3); Likely benign (1). 1 of the submissions does not count toward it. Last evaluated 2026-01-12.

Conditions:
UMOD-related disorder. Also called: UMOD-related condition.
Familial juvenile hyperuricemic nephropathy type 1 (ADTKD1). Also called: UMOD-Associated Kidney Disease; Uromodulin-associated kidney disease; Glomerulocystic kidney disease with hyperuricemia and isosthenuria; Medullary cystic kidney disease 2; Autosomal Dominant Tubulointerstitial Kidney Disease – UMOD. Identifiers: Orphanet 209886, Orphanet 34149, Orphanet 88950, MedGen C4551496, MONDO:0008073, OMIM 162000.

Allele frequency attached by ClinVar (database versions not stated): ESP Exome Variant Server 0.00008; TOPMed 0.00012; ExAC 0.00013; gnomAD 0.00013; 1000 Genomes Project 30x 0.00016; 1000 Genomes Project 0.00020.
gnomAD v4.1: 320 of 1,614,124 alleles (0.02%); highest among the groups gnomAD compares: Non-Finnish European, 0.025%; no homozygotes.

Submissions (5):

PreventionGenetics, part of Exact Sciences
Classification: Uncertain significance for UMOD-related condition. Last evaluated: 2026-01-12. Review status: criteria provided, single submitter. Criteria: ACMG Guidelines, 2015. Collection method: clinical testing. Allele origin: germline.
Comment: The UMOD c.1648G>A variant is predicted to result in the amino acid substitution p.Val550Ile. This variant was reported in a father and child with features of tubulointerstitial kidney disease (Yang et al. 2019. PubMed ID: 31068150). This variant was also reported as a variant of uncertain significance in an individual with hematuria (Supp. Table 1 Liu et al. 2023. PubMed ID: 37217505). This variant is reported in 0.020% of alleles in individuals of East Asian descent in gnomAD, which is likely too frequent to be a primary cause of disease. At this time, the clinical significance of this variant is uncertain due to the absence of conclusive functional and genetic evidence.

Labcorp Genetics (formerly Invitae), Labcorp
Classification: Uncertain significance. Last evaluated: 2025-04-14. Review status: criteria provided, single submitter. Criteria: Invitae Variant Classification Sherloc (09022015). Collection method: clinical testing. Allele origin: germline.
Comment: This sequence change replaces valine, which is neutral and non-polar, with isoleucine, which is neutral and non-polar, at codon 550 of the UMOD protein (p.Val550Ile). This variant is present in population databases (rs188709583, gnomAD 0.02%). This missense change has been observed in individual(s) with tubulointerstitial kidney disease (PMID: 31068150, 37217505). ClinVar contains an entry for this variant (Variation ID: 64443). Invitae Evidence Modeling of protein sequence and biophysical properties (such as structural, functional, and spatial information, amino acid conservation, physicochemical variation, residue mobility, and thermodynamic stability) indicates that this missense variant is not expected to disrupt UMOD protein function with a negative predictive value of 80%. In summary, the available evidence is currently insufficient to determine the role of this variant in disease. Therefore, it has been classified as a Variant of Uncertain Significance.

Fulgent Genetics
Classification: Likely benign for Familial juvenile hyperuricemic nephropathy type 1. Last evaluated: 2024-02-07. Review status: criteria provided, single submitter. Criteria: ACMG Guidelines, 2015. Collection method: clinical testing. Allele origin: germline.

Mayo Clinic Laboratories, Mayo Clinic
Classification: Uncertain significance. Last evaluated: 2024-01-31. Review status: criteria provided, single submitter. Criteria: ACMG Guidelines, 2015. Collection method: clinical testing. Allele origin: germline. Observed: 1 variant allele.
Comment: BP4_strong

Martin Pollak Laboratory,  Beth Israel Deaconess Medical Center
Classification: Uncertain significance. Review status: no assertion criteria provided. Collection method: not provided. Allele origin: unknown. Not counted in ClinVar's aggregate classification.
Comment: Lower UCa2+ group
ClinVar note: Converted during submission from unknown to Uncertain significance.

Literature cited by the submitters: PubMed 31068150 (cited by Labcorp Genetics (formerly Invitae), Labcorp and Mayo Clinic Laboratories, Mayo Clinic); PubMed 37217505 (cited by Labcorp Genetics (formerly Invitae), Labcorp and Mayo Clinic Laboratories, Mayo Clinic).